The following is an entry in ClinVar:

NM_001377334.1(PIK3C2B):c.3735C>T (p.Asn1245=)

Gene: PIK3C2B (phosphatidylinositol-4-phosphate 3-kinase catalytic subunit type 2 beta; minus strand). Cytogenetic location: 1q32.1.
Variant type: single nucleotide variant.
Coding change: c.3735C>T on transcript NM_001377334.1 (MANE Select); coding-DNA position 3735, C replaced by T.
Protein change: p.Asn1245=; no amino-acid change (asparagine 1245 retained).
Molecular consequence: synonymous variant.
Genome position (GRCh38, 1-based): chr1:204,433,901, G>A on the plus strand (C>T on the coding strand, the complement: PIK3C2B is on the minus strand). VCF-style: chr1-204433901-G-A. GRCh37 (hg19) VCF-style: chr1-204403029-G-A.
Other names: c.3651C>T, p.Asn1217= (NM_001377335.1); c.3735C>T, p.Asn1245= (NM_002646.4).
Identifiers: ClinVar variation 727203 (VCV000727203.6), dbSNP rs144860399, ClinGen allele CA1347345.
Genomic context (GRCh38, chr1:204,433,901, plus strand): 5'-GTAGGCTTGGCAGCAAAGGTCAACAAAATCATGGAAGCGGCTGGAAGGCTTGTCACCCCC[G>A]TTGATGACATACGCCATGTCCGAGGTGAAGACAAAGGGGGCACGGTCCCTGAGCCAAGGG-3'
Protein context (NP_001364263.1, residues 1235-1255): VFTSDMAYVI[Asn1245=]GGDKPSSRFH

ClinVar aggregate classification (germline): Benign. Review status: criteria provided, multiple submitters, no conflicts (2 of 4 stars). 3 submissions from 3 submitters: Benign (2). 1 of the submissions does not count toward it. Last evaluated 2018-04-07.

Conditions:
PIK3C2B-related disorder. Also called: PIK3C2B-related condition.

Allele frequency attached by ClinVar (database versions not stated): gnomAD exomes 0.00014 and 0.00034; ExAC 0.00037; 1000 Genomes Project 0.00080; ESP Exome Variant Server 0.00092; 1000 Genomes Project 30x 0.00094; gnomAD 0.00118 and 0.00130; TOPMed 0.00148.
gnomAD v4.1: 381 of 1,614,058 alleles (0.024%); highest among the groups gnomAD compares: African/African-American, 0.41%; no homozygotes.

Submissions (3):

Labcorp Genetics (formerly Invitae), Labcorp
Classification: Benign. Last evaluated: 2018-04-07. Review status: criteria provided, single submitter. Criteria: Invitae Variant Classification Sherloc (09022015). Collection method: clinical testing. Allele origin: germline.

Breakthrough Genomics
Classification: Benign. Review status: criteria provided, single submitter. Criteria: ACMG Guidelines, 2015. Collection method: not provided. Allele origin: germline. Inheritance: Unknown mechanism. Affected: yes.

PreventionGenetics, part of Exact Sciences
Classification: Likely benign for PIK3C2B-related condition. Last evaluated: 2019-10-28. Review status: no assertion criteria provided. Collection method: clinical testing. Allele origin: germline. Not counted in ClinVar's aggregate classification.
Comment: This variant is classified as likely benign based on ACMG/AMP sequence variant interpretation guidelines (Richards et al. 2015 PMID: 25741868, with internal and published modifications).